The following is an entry in ClinVar:

NM_006017.3(PROM1):c.55T>G (p.Ser19Ala)

Gene: PROM1 (prominin 1; minus strand). Cytogenetic location: 4p15.32.
Variant type: single nucleotide variant.
Coding change: c.55T>G on transcript NM_006017.3 (MANE Select); coding-DNA position 55, T replaced by G.
Protein change: p.Ser19Ala; replaces serine 19 with alanine.
Molecular consequence: missense variant.
Genome position (GRCh38, 1-based): chr4:16,075,852, A>C on the plus strand (T>G on the coding strand, the complement: PROM1 is on the minus strand). VCF-style: chr4-16075852-A-C. GRCh37 (hg19) VCF-style: chr4-16077475-A-C.
Other names: c.55T>G, p.Ser19Ala (NM_001145847.2, NM_001145848.2, NM_001145849.2 and 6 more transcripts); short protein forms S19A.
Identifiers: ClinVar variation 193330 (VCV000193330.30), dbSNP rs189108830, ClinGen allele CA200501.

ClinVar aggregate classification (germline): Benign/Likely benign. Review status: criteria provided, multiple submitters, no conflicts (2 of 4 stars). 10 submissions from 7 submitters: Benign (8); Likely benign (2). Last evaluated 2026-02-02.

Conditions:
Retinitis pigmentosa (RP). Identifiers: Orphanet 791, MedGen C0035334, MeSH D012174, MONDO:0019200, OMIM 268000. Inheritance: Autosomal dominant, autosomal recessive and X linked inheritance.
Retinal macular dystrophy type 2 (MCDR2). Also called: Bull's eye macular dystrophy. Identifiers: Orphanet 319640, MedGen C4749334, MONDO:0011957, OMIM 608051.
Cone-rod dystrophy 12 (CORD12). Identifiers: Orphanet 1872, MedGen C2675210, MONDO:0012983, OMIM 612657.
Stargardt disease 4 (STGD4). Identifiers: Orphanet 827, MedGen C1863534, MONDO:0011370, OMIM 603786.

Allele frequency attached by ClinVar (database versions not stated): 1000 Genomes Project 0.00679; ESP Exome Variant Server 0.00680; 1000 Genomes Project 30x 0.00765; gnomAD 0.00925 and 0.00928; gnomAD exomes 0.01053 and 0.01489; TOPMed 0.01152; ExAC 0.01346.
gnomAD v4.1: 16,638 of 1,613,608 alleles (1%); highest among the groups gnomAD compares: Admixed American, 5.2%; 195 homozygotes.

Submissions (10):

Labcorp Genetics (formerly Invitae), Labcorp
Classification: Benign. Last evaluated: 2026-02-02. Review status: criteria provided, single submitter. Criteria: Invitae Variant Classification Sherloc (09022015). Collection method: clinical testing. Allele origin: germline.

ARUP Laboratories, Molecular Genetics and Genomics, ARUP Laboratories
Classification: Benign. Last evaluated: 2023-11-22. Review status: criteria provided, single submitter. Criteria: ARUP Molecular Germline Variant Investigation Process 2024. Collection method: clinical testing. Allele origin: germline.

GeneDx
Classification: Benign. Last evaluated: 2018-11-07. Review status: criteria provided, single submitter. Criteria: GeneDx Variant Classification Process June 2021. Collection method: clinical testing. Allele origin: germline. Affected: yes.

Illumina Laboratory Services, Illumina
Classification: Benign for Cone-rod dystrophy 12. Last evaluated: 2018-01-13. Review status: criteria provided, single submitter. Criteria: ICSL Variant Classification Criteria 13 December 2019. Collection method: clinical testing. Allele origin: germline.
Comment: This variant was observed in the ICSL laboratory as part of a predisposition screen in an ostensibly healthy population. It had not been previously curated by ICSL or reported in the Human Gene Mutation Database (HGMD: prior to June 1st, 2018), and was therefore a candidate for classification through an automated scoring system. Utilizing variant allele frequency, disease prevalence and penetrance estimates, and inheritance mode, an automated score was calculated to assess if this variant is too frequent to cause the disease. Based on the score and internal cut-off values, a variant classified as benign is not then subjected to further curation. The score for this variant resulted in a classification of benign for this disease.

Illumina Laboratory Services, Illumina
Classification: Benign for Retinal macular dystrophy type 2. Last evaluated: 2018-01-13. Review status: criteria provided, single submitter. Criteria: ICSL Variant Classification Criteria 13 December 2019. Collection method: clinical testing. Allele origin: germline.
Comment: the same text as in the submission from Illumina Laboratory Services, Illumina above.

Illumina Laboratory Services, Illumina
Classification: Likely benign for Retinitis pigmentosa. Last evaluated: 2018-01-13. Review status: criteria provided, single submitter. Criteria: ICSL Variant Classification Criteria 13 December 2019. Collection method: clinical testing. Allele origin: germline.
Comment: This variant was observed in the ICSL laboratory as part of a predisposition screen in an ostensibly healthy population. It had not been previously curated by ICSL or reported in the Human Gene Mutation Database (HGMD: prior to June 1st, 2018), and was therefore a candidate for classification through an automated scoring system. Utilizing variant allele frequency, disease prevalence and penetrance estimates, and inheritance mode, an automated score was calculated to assess if this variant is too frequent to cause the disease. Based on the score and internal cut-off values, a variant classified as likely benign is not then subjected to further curation. The score for this variant resulted in a classification of likely benign for this disease.

Illumina Laboratory Services, Illumina
Classification: Benign for Stargardt disease 4. Last evaluated: 2018-01-13. Review status: criteria provided, single submitter. Criteria: ICSL Variant Classification Criteria 13 December 2019. Collection method: clinical testing. Allele origin: germline.
Comment: the same text as in the submission from Illumina Laboratory Services, Illumina above.

Eurofins Ntd Llc (ga)
Classification: Benign. Last evaluated: 2014-05-22. Review status: criteria provided, single submitter. Criteria: EGL Classification Definitions 2015. Collection method: clinical testing. Allele origin: germline. Observed: 3 variant alleles, 3 heterozygotes.

Breakthrough Genomics
Classification: Likely benign. Review status: criteria provided, single submitter. Criteria: ACMG Guidelines, 2015. Collection method: not provided. Allele origin: germline. Inheritance: Autosomal recessive inheritance. Affected: yes.

PreventionGenetics, part of Exact Sciences
Classification: Benign. Review status: criteria provided, single submitter. Criteria: ACMG Guidelines, 2015. Collection method: clinical testing. Allele origin: germline.